The following is an entry in ClinVar:

NM_178425.4(HDAC9):c.1467+6086C>T

Gene: HDAC9 (histone deacetylase 9; plus strand). Cytogenetic location: 7p21.1.
Variant type: single nucleotide variant.
Coding change: c.1467+6086C>T on transcript NM_178425.4 (MANE Select); 6086 bases into the intron after coding-DNA position 1467, C replaced by T.
Molecular consequence: intron variant. On other transcripts: missense variant (1).
Genome position (GRCh38, 1-based): chr7:18,654,769, C>T. VCF-style: chr7-18654769-C-T. GRCh37 (hg19) VCF-style: chr7-18694392-C-T.
Other names: c.1533+6086C>T (NM_001321869.2); c.1401+6086C>T (NM_001321872.2); c.1395+6086C>T (NM_001321873.2); c.1407+6086C>T (NM_001321871.2); c.1524+6086C>T (NM_001321870.2); c.1374+6086C>T (NM_001321896.2, NM_001204148.3); c.1335+6086C>T (NM_001204146.2, NM_001321877.2, NM_001321897.2 and 2 more transcripts); c.1458+6086C>T (NM_178423.3, NM_001321900.2, NM_014707.4 and 1 more transcripts); and 15 more; short protein forms H490Y.
Identifiers: ClinVar variation 3778164 (VCV003778164.7).

ClinVar aggregate classification (germline): Likely benign (1 of 4 stars; one submission).

gnomAD v4.1: 22 of 152,164 alleles (0.014%); highest among the groups gnomAD compares: South Asian, 0.37%; no homozygotes.

Submission:

CeGaT Center for Human Genetics Tuebingen
Classification: Likely benign. Last evaluated: 2025-03-01. Review status: criteria provided, single submitter. Criteria: CeGaT Center For Human Genetics Tuebingen Variant Classification Criteria Version 2. Collection method: clinical testing. Allele origin: germline. Affected: yes. Observed: 1 variant allele.
Comment: HDAC9: BS1